The following is an entry in ClinVar:

NM_000548.5(TSC2):c.2399G>T (p.Cys800Phe)

Gene: TSC2 (TSC complex subunit 2; plus strand). Cytogenetic location: 16p13.3.
Variant type: single nucleotide variant.
Coding change: c.2399G>T on transcript NM_000548.5 (MANE Select); coding-DNA position 2399, G replaced by T.
Protein change: p.Cys800Phe; replaces cysteine 800 with phenylalanine.
Molecular consequence: missense variant. On other transcripts: non-coding transcript variant (5).
Genome position (GRCh38, 1-based): chr16:2,074,243, G>T. VCF-style: chr16-2074243-G-T. GRCh37 (hg19) VCF-style: chr16-2124244-G-T.
Other names: c.2399G>T, p.Cys800Phe (NM_001077183.3, NM_001114382.3, NM_001363528.2 and 6 more transcripts); c.2288G>T, p.Cys763Phe (NM_001318827.2, NM_001406670.1, NM_001406678.1); c.2252G>T, p.Cys751Phe (NM_001318829.2, NM_001406675.1, NM_001406676.1 and 1 more transcripts); c.1799G>T, p.Cys600Phe (NM_001318831.2, NM_001406680.1, NM_001406682.1 and 6 more transcripts); c.2432G>T, p.Cys811Phe (NM_001318832.2); c.2489G>T, p.Cys830Phe (NM_001406667.1, NM_001406668.1); c.2387G>T, p.Cys796Phe (NM_001406671.1, NM_001406673.1); c.2342G>T, p.Cys781Phe (NM_001406677.1); and 3 more; short protein forms C266F, C763F, C811F, C796F, C800F, C646F, C830F, C352F.
Identifiers: ClinVar variation 4556864 (VCV004556864.1).

ClinVar aggregate classification (germline): Uncertain significance (1 of 4 stars; one submission).

Conditions:
Hereditary cancer-predisposing syndrome. Also called: Tumor predisposition; Hereditary Cancer Syndrome; Hereditary neoplastic syndrome; Neoplastic Syndromes, Hereditary. Identifiers: Orphanet 140162, MedGen C0027672, MeSH D009386, MONDO:0015356.

Submission:

Ambry Genetics
Classification: Uncertain significance for Hereditary cancer-predisposing syndrome. Last evaluated: 2025-10-03. Review status: criteria provided, single submitter. Criteria: Ambry Variant Classification Scheme 2023. Collection method: clinical testing. Allele origin: germline.
Comment: The p.C800F variant (also known as c.2399G>T), located in coding exon 21 of the TSC2 gene, results from a G to T substitution at nucleotide position 2399. The cysteine at codon 800 is replaced by phenylalanine, an amino acid with highly dissimilar properties. This amino acid position is conserved. In addition, this alteration is predicted to be deleterious by in silico analysis. Based on the available evidence, the clinical significance of this variant remains unclear.